The following is an entry in ClinVar:

ClinVar aggregate classification (germline): Uncertain significance. Review status: criteria provided, multiple submitters, no conflicts (2 of 4 stars). 2 submissions from 2 submitters: Uncertain significance (2). Last evaluated 2024-11-09.

Conditions:
Finnish type amyloidosis. Also called: AMYLOID CRANIAL NEUROPATHY WITH LATTICE CORNEAL DYSTROPHY; AMYLOIDOSIS DUE TO MUTANT GELSOLIN; Lattice corneal dystrophy associated with familial systemic amyloidosis; Meretoja's syndrome; Lattice dystrophy of the cornea with hereditary generalized amyloidosis; Amyloidosis, familial, Finnish type. Identifiers: Orphanet 85448, MedGen C1622345, MONDO:0007097, OMIM 105120.

Allele frequency attached by ClinVar (database versions not stated): gnomAD exomes below 0.00001 and 0.00002; gnomAD 0.00001; TOPMed 0.00001.
gnomAD v4.1: 23 of 1,609,210 alleles (0.0014%); highest among the groups gnomAD compares: Non-Finnish European, 0.002%; no homozygotes.

Submissions (2):

Labcorp Genetics (formerly Invitae), Labcorp
Classification: Uncertain significance. Last evaluated: 2024-11-09. Review status: criteria provided, single submitter. Criteria: Invitae Variant Classification Sherloc (09022015). Collection method: clinical testing. Allele origin: germline.
Comment: This sequence change replaces methionine, which is neutral and non-polar, with valine, which is neutral and non-polar, at codon 699 of the GSN protein (p.Met699Val). This variant is present in population databases (no rsID available, gnomAD 0.0009%). This variant has not been reported in the literature in individuals affected with GSN-related conditions. ClinVar contains an entry for this variant (Variation ID: 364827). Invitae Evidence Modeling of protein sequence and biophysical properties (such as structural, functional, and spatial information, amino acid conservation, physicochemical variation, residue mobility, and thermodynamic stability) has been performed for this missense variant. However, the output from this modeling did not meet the statistical confidence thresholds required to predict the impact of this variant on GSN protein function. In summary, the available evidence is currently insufficient to determine the role of this variant in disease. Therefore, it has been classified as a Variant of Uncertain Significance.

Illumina Laboratory Services, Illumina
Classification: Uncertain significance for Finnish type amyloidosis. Last evaluated: 2018-01-12. Review status: criteria provided, single submitter. Criteria: ICSL Variant Classification Criteria 13 December 2019. Collection method: clinical testing. Allele origin: germline.

NM_198252.3(GSN):c.1942A>G (p.Met648Val)

Gene: GSN (gelsolin; plus strand). Cytogenetic location: 9q33.2.
Variant type: single nucleotide variant.
Coding change: c.1942A>G on transcript NM_198252.3 (MANE Select); coding-DNA position 1942, A replaced by G.
Protein change: p.Met648Val; replaces methionine 648 with valine.
Molecular consequence: missense variant.
Genome position (GRCh38, 1-based): chr9:121,329,292, A>G. VCF-style: chr9-121329292-A-G. GRCh37 (hg19) VCF-style: chr9-124091570-A-G.
Other names: c.2095A>G, p.Met699Val (NM_000177.5); c.1942A>G, p.Met648Val (NM_001127662.2, NM_001127664.2, NM_001127665.2 and 10 more transcripts); c.2050A>G, p.Met684Val (NM_001127663.2); c.1975A>G, p.Met659Val (NM_001127666.2, NM_001127667.2, NM_001353063.2 and 13 more transcripts); c.1993A>G, p.Met665Val (NM_001258029.2); c.1966A>G, p.Met656Val (NM_001258030.2); c.2014A>G, p.Met672Val (NM_001353076.2); c.1288A>G, p.Met430Val (NM_001353078.2); short protein forms M699V, M659V, M648V, M430V, M665V, M672V, M684V, M656V.
Identifiers: ClinVar variation 364827 (VCV000364827.7), dbSNP rs886063406, ClinGen allele CA10632240.